The following is an entry in ClinVar:

ClinVar aggregate classification (germline): Uncertain significance (1 of 4 stars; one submission).

Conditions:
Inborn genetic diseases. Identifiers: MedGen C0950123, MeSH D030342.

Submission:

Ambry Genetics
Classification: Uncertain significance for Inborn genetic diseases. Last evaluated: 2024-07-07. Review status: criteria provided, single submitter. Criteria: Ambry Variant Classification Scheme 2023. Collection method: clinical testing. Allele origin: germline.
Comment: The p.K442T variant (also known as c.1325A>C), located in coding exon 5 of the ATR gene, results from an A to C substitution at nucleotide position 1325. The lysine at codon 442 is replaced by threonine, an amino acid with similar properties. This amino acid position is conserved. In addition, this alteration is predicted to be tolerated by in silico analysis. Based on the available evidence, the clinical significance of this variant remains unclear.

NM_001184.4(ATR):c.1325A>C (p.Lys442Thr)

Gene: ATR (ATR serine/threonine kinase; minus strand). Cytogenetic location: 3q23.
Variant type: single nucleotide variant.
Coding change: c.1325A>C on transcript NM_001184.4 (MANE Select); coding-DNA position 1325, A replaced by C.
Protein change: p.Lys442Thr; replaces lysine 442 with threonine.
Molecular consequence: missense variant.
Genome position (GRCh38, 1-based): chr3:142,561,267, T>G on the plus strand (A>C on the coding strand, the complement: ATR is on the minus strand). VCF-style: chr3-142561267-T-G. GRCh37 (hg19) VCF-style: chr3-142280109-T-G.
Other names: c.1325A>C, p.Lys442Thr (NM_001354579.2); short protein forms K442T.
Identifiers: ClinVar variation 3462414 (VCV003462414.1).